The following is an entry in ClinVar:

NM_001100.4(ACTA1):c.64G>T (p.Gly22Cys)

Gene: ACTA1 (actin alpha 1, skeletal muscle; minus strand). Cytogenetic location: 1q42.13.
Variant type: single nucleotide variant.
Coding change: c.64G>T on transcript NM_001100.4 (MANE Select); coding-DNA position 64, G replaced by T.
Protein change: p.Gly22Cys; replaces glycine 22 with cysteine.
Molecular consequence: missense variant.
Genome position (GRCh38, 1-based): chr1:229,433,052, C>A on the plus strand (G>T on the coding strand, the complement: ACTA1 is on the minus strand). VCF-style: chr1-229433052-C-A. GRCh37 (hg19) VCF-style: chr1-229568799-C-A.
Other names: short protein forms G22C.
Identifiers: ClinVar variation 2710175 (VCV002710175.3), dbSNP rs1659986121, ClinGen allele CA345151557.
Genomic context (GRCh38, chr1:229,433,052, plus strand): 5'-GTCGGGGGCGGCCCACGATGGACGGGAACACGGCCCTAGGGGCGTCATCCCCGGCGAAGC[C>A]GGCTTTCACCAGGCCGGAGCCATTGTCGCACACGAGGGCGGTGGTCTCGTCTTCGTCGCA-3'
Protein context (NP_001091.1, residues 12-32): CDNGSGLVKA[Gly22Cys]FAGDDAPRAV

ClinVar aggregate classification (germline): Uncertain significance (1 of 4 stars; one submission).

Conditions:
Actin accumulation myopathy (CMYO2A). Also called: Nemaline myopathy type 3; Myopathy, actin, congenital, with excess of thin myofilaments; Myopathy, actin, congenital, with cores; Nemaline myopathy 3, with intranuclear rods; CONGENITAL MYOPATHY 2A, TYPICAL, AUTOSOMAL DOMINANT. Identifiers: Orphanet 98904, MedGen C3711389, MONDO:0008070, OMIM 161800.

Submission:

Labcorp Genetics (formerly Invitae), Labcorp
Classification: Uncertain significance for Actin accumulation myopathy. Last evaluated: 2024-01-18. Review status: criteria provided, single submitter. Criteria: Invitae Variant Classification Sherloc (09022015). Collection method: clinical testing. Allele origin: germline.
Comment: This sequence change replaces glycine, which is neutral and non-polar, with cysteine, which is neutral and slightly polar, at codon 22 of the ACTA1 protein (p.Gly22Cys). This variant is not present in population databases (gnomAD no frequency). This variant has not been reported in the literature in individuals affected with ACTA1-related conditions. Advanced modeling of protein sequence and biophysical properties (such as structural, functional, and spatial information, amino acid conservation, physicochemical variation, residue mobility, and thermodynamic stability) performed at Invitae indicates that this missense variant is expected to disrupt ACTA1 protein function with a positive predictive value of 80%. In summary, the available evidence is currently insufficient to determine the role of this variant in disease. Therefore, it has been classified as a Variant of Uncertain Significance.